The following is an entry in ClinVar:

NM_000245.4(MET):c.2378G>A (p.Arg793His)

Gene: MET (MET proto-oncogene, receptor tyrosine kinase; plus strand). Cytogenetic location: 7q31.2.
Variant type: single nucleotide variant.
Coding change: c.2378G>A on transcript NM_000245.4 (MANE Select); coding-DNA position 2378, G replaced by A.
Protein change: p.Arg793His; replaces arginine 793 with histidine.
Molecular consequence: missense variant.
Genome position (GRCh38, 1-based): chr7:116,763,063, G>A. VCF-style: chr7-116763063-G-A. GRCh37 (hg19) VCF-style: chr7-116403117-G-A.
Other names: c.2432G>A (NM_001127500.2); c.2432G>A, p.Arg811His (NM_001127500.3); c.2378G>A, p.Arg793His (NM_001324401.3); c.1088G>A, p.Arg363His (NM_001324402.2); short protein forms R811H, R363H, R793H.
Identifiers: ClinVar variation 454212 (VCV000454212.22), dbSNP rs199643166, ClinGen allele CA4448484.

ClinVar aggregate classification (germline): Conflicting classifications of pathogenicity. Review status: criteria provided, conflicting classifications (1 of 4 stars). 6 submissions from 6 submitters: Uncertain significance (3); Likely benign (3). Last evaluated 2026-05-13.

Conditions:
MET-related disorder. Also called: MET-related condition.
Renal cell carcinoma. Identifiers: Orphanet 217071, MedGen C0007134, MeSH D002292, MONDO:0005086, HP:0005584.
Autosomal recessive nonsyndromic hearing loss 97. Also called: Deafness, autosomal recessive 97. Identifiers: Orphanet 90636, MedGen C4084709, MONDO:0014739, OMIM 616705.
Hereditary cancer-predisposing syndrome. Also called: Tumor predisposition; Hereditary neoplastic syndrome; Neoplastic Syndromes, Hereditary; Hereditary Cancer Syndrome. Identifiers: Orphanet 140162, MedGen C0027672, MeSH D009386, MONDO:0015356.

Allele frequency attached by ClinVar (database versions not stated): TOPMed 0.00009; gnomAD 0.00011 and 0.00009; 1000 Genomes Project 0.00020; ESP Exome Variant Server 0.00025; 1000 Genomes Project 30x 0.00031; gnomAD exomes 0.00001 and 0.00003; ExAC 0.00006.
gnomAD v4.1: 33 of 1,613,798 alleles (0.002%); highest among the groups gnomAD compares: African/African-American, 0.027%; no homozygotes.

Submissions (6):

PreventionGenetics, part of Exact Sciences
Classification: Likely benign for MET-related condition. Last evaluated: 2026-05-13. Review status: criteria provided, single submitter. Criteria: ACMG Guidelines, 2015. Collection method: clinical testing. Allele origin: germline.
Comment: This variant is classified as likely benign based on ACMG/AMP sequence variant interpretation guidelines (Richards et al. 2015 PMID: 25741868, with internal and published modifications).

Labcorp Genetics (formerly Invitae), Labcorp
Classification: Likely benign for Renal cell carcinoma. Last evaluated: 2026-01-27. Review status: criteria provided, single submitter. Criteria: Invitae Variant Classification Sherloc (09022015). Collection method: clinical testing. Allele origin: germline.

GeneDx
Classification: Uncertain significance. Last evaluated: 2025-02-20. Review status: criteria provided, single submitter. Criteria: GeneDx Variant Classification Process June 2021. Collection method: clinical testing. Allele origin: germline. Affected: yes.
Comment: In silico analysis indicates that this missense variant does not alter protein structure/function; Has not been previously published as pathogenic or benign to our knowledge; This variant is associated with the following publications: (PMID: 25790293)

Baylor Genetics
Classification: Uncertain significance for Autosomal recessive nonsyndromic hearing loss 97. Last evaluated: 2023-10-16. Review status: criteria provided, single submitter. Criteria: ACMG Guidelines, 2015. Collection method: clinical testing. Allele origin: unknown.

Sema4
Classification: Uncertain significance for Hereditary cancer-predisposing syndrome. Last evaluated: 2021-09-14. Review status: criteria provided, single submitter. Criteria: Sema4 Curation Guidelines. Collection method: curation. Allele origin: germline.
Comment: To the best of our knowledge, the MET c.2432G>A (p.R811H) variant has not been reported in individuals with MET-related disease. It was observed in 7/24200 chromosomes of the African/African American subpopulation in the Genome Aggregation Database (PMID: 32461654). The variant has been reported in ClinVar (Variation ID 454212). Functional studies have not been performed, and in silico predictions of the variant's effect on protein function are inconclusive. The evidence is insufficient to meet ACMG/AMP criteria for classifying the variant as benign or pathogenic. Thus, the clinical significance of this variant is currently uncertain.

Ambry Genetics
Classification: Likely benign for Hereditary cancer-predisposing syndrome. Last evaluated: 2021-07-09. Review status: criteria provided, single submitter. Criteria: Ambry Variant Classification Scheme 2023. Collection method: clinical testing. Allele origin: germline.